The following is an entry in ClinVar:

NM_000254.3(MTR):c.80A>G (p.Gln27Arg)

Gene: MTR (5-methyltetrahydrofolate-homocysteine methyltransferase; plus strand). Cytogenetic location: 1q43.
Variant type: single nucleotide variant.
Coding change: c.80A>G on transcript NM_000254.3 (MANE Select); coding-DNA position 80, A replaced by G.
Protein change: p.Gln27Arg; replaces glutamine 27 with arginine.
Molecular consequence: missense variant. On other transcripts: 5 prime UTR variant (1).
Genome position (GRCh38, 1-based): chr1:236,803,473, A>G. VCF-style: chr1-236803473-A-G. GRCh37 (hg19) VCF-style: chr1-236966773-A-G.
Other names: c.80A>G, p.Gln27Arg (NM_001291939.1); c.-1029A>G (NM_001291940.2); short protein forms Q27R.
Identifiers: ClinVar variation 1367204 (VCV001367204.6), dbSNP rs1039659576, ClinGen allele CA39730758.
Genomic context (GRCh38, chr1:236,803,473, plus strand): 5'-TCACTTTCTTTAAAGAAGGTCTGAAGAAAACCCTGCGGGATGAGATCAATGCCATTCTGC[A>G]GAAGAGGATTATGGTGCTGGATGGAGGGATGGGGACCATGATCCAGCGGGAGAAGCTAAA-3'
Protein context (NP_000245.2, residues 17-37): TLRDEINAIL[Gln27Arg]KRIMVLDGGM

ClinVar aggregate classification (germline): Uncertain significance (1 of 4 stars; one submission).

Conditions:
Methylcobalamin deficiency type cblG (HMAG). Also called: HOMOCYSTINURIA-MEGALOBLASTIC ANEMIA, cblG TYPE; HOMOCYSTINURIA-MEGALOBLASTIC ANEMIA, cblG COMPLEMENTATION TYPE; Functional methionine synthase deficiency type cblG; HOMOCYSTINURIA-MEGALOBLASTIC ANEMIA DUE TO DEFECT IN COBALAMIN METABOLISM, cblG COMPLEMENTATION TYPE. Identifiers: Orphanet 2170, Orphanet 622, MedGen C1855128, MONDO:0009609, OMIM 250940.

Allele frequency attached by ClinVar (database versions not stated): TOPMed below 0.00001.

Submission:

Labcorp Genetics (formerly Invitae), Labcorp
Classification: Uncertain significance for Methylcobalamin deficiency type cblG. Last evaluated: 2022-10-24. Review status: criteria provided, single submitter. Criteria: Invitae Variant Classification Sherloc (09022015). Collection method: clinical testing. Allele origin: germline.
Comment: This sequence change replaces glutamine, which is neutral and polar, with arginine, which is basic and polar, at codon 27 of the MTR protein (p.Gln27Arg). This variant is not present in population databases (gnomAD no frequency). This variant has not been reported in the literature in individuals affected with MTR-related conditions. ClinVar contains an entry for this variant (Variation ID: 1367204). Advanced modeling of protein sequence and biophysical properties (such as structural, functional, and spatial information, amino acid conservation, physicochemical variation, residue mobility, and thermodynamic stability) performed at Invitae indicates that this missense variant is not expected to disrupt MTR protein function. In summary, the available evidence is currently insufficient to determine the role of this variant in disease. Therefore, it has been classified as a Variant of Uncertain Significance.